The following is an entry in ClinVar:

ClinVar aggregate classification (germline): Likely pathogenic. Review status: criteria provided, multiple submitters, no conflicts (2 of 4 stars). 2 submissions from 2 submitters: Likely pathogenic (2). Last evaluated 2024-05-16.

Conditions:
Glycogen storage disease type III (GSD3). Also called: Cori disease; FORBES DISEASE. Identifiers: Orphanet 366, MedGen C0017922, MONDO:0009291, OMIM 232400.

Submissions (2):

Natera, Inc.
Classification: Likely pathogenic for Glycogen storage disease type III. Last evaluated: 2024-05-16. Review status: criteria provided, single submitter. Criteria: Natera Variant Classification Schema (03/2026). Collection method: clinical testing. Allele origin: germline.
Comment: The c.379_380del variant in AGL is a frameshift variant predicted to shift the reading frame beginning at codon 127 and leads to a stop codon 8 codons downstream. This variant is expected to result in nonsense mediated decay, truncation, or a dysfunctional protein product. This variant is rare in the general population with a frequency below the threshold expected for the associated phenotype(s). Given the available evidence, this variant is classified as Likely Pathogenic.

Baylor Genetics
Classification: Likely pathogenic for Glycogen storage disease type III. Last evaluated: 2023-12-19. Review status: criteria provided, single submitter. Criteria: ACMG Guidelines, 2015. Collection method: clinical testing. Allele origin: unknown.

NM_000642.3(AGL):c.379_380del (p.Val127fs)

Gene: AGL (amylo-alpha-1,6-glucosidase and 4-alpha-glucanotransferase; plus strand). Cytogenetic location: 1p21.2.
Variant type: Microsatellite.
Coding change: c.379_380del on transcript NM_000642.3 (MANE Select); coding-DNA positions 379 to 380, 2 bases deleted (GT; older notation c.379_380delGT).
Protein change: p.Val127fs; shifts the reading frame from valine 127.
Molecular consequence: frameshift variant.
Genome position (GRCh38, 1-based): chr1:99,862,342-99,862,343, GT deleted; deleting any 2 consecutive bases within chr1:99,862,339-99,862,343 gives the same sequence; the c. name uses the placement nearest the transcript's 3' end. VCF-style (leftmost placement, unchanged base first): chr1-99862338-CTG-C. GRCh37 (hg19) VCF-style: chr1-100327894-CTG-C.
Other names: c.377_378GT[1], p.Val127Tyrfs (NM_000028.3, NM_000643.3, NM_000644.3 and 5 more transcripts); c.329_330GT[1], p.Val111Tyrfs (NM_000646.3); short protein forms V111fs, V127fs.
Identifiers: ClinVar variation 3241176 (VCV003241176.2), dbSNP rs2524498793.